The following is an entry in ClinVar:

ClinVar aggregate classification (germline): Uncertain significance (1 of 4 stars; one submission).

Conditions:
Syndromic multisystem autoimmune disease due to ITCH deficiency. Also called: AUTOIMMUNE DISEASE, MULTISYSTEM, WITH FACIAL DYSMORPHISM. Identifiers: Orphanet 228426, MedGen C3150649, MONDO:0013245, OMIM 613385.

Allele frequency attached by ClinVar (database versions not stated): gnomAD exomes below 0.00001; gnomAD 0.00001.
gnomAD v4.1: 5 of 1,613,386 alleles (0.00031%); highest among the groups gnomAD compares: East Asian, 0.0022%; no homozygotes.

Submission:

Labcorp Genetics (formerly Invitae), Labcorp
Classification: Uncertain significance for Syndromic multisystem autoimmune disease due to ITCH deficiency. Last evaluated: 2022-09-27. Review status: criteria provided, single submitter. Criteria: Invitae Variant Classification Sherloc (09022015). Collection method: clinical testing. Allele origin: germline.
Comment: This variant is present in population databases (no rsID available, gnomAD 0.0009%). In summary, the available evidence is currently insufficient to determine the role of this variant in disease. Therefore, it has been classified as a Variant of Uncertain Significance. Algorithms developed to predict the effect of missense changes on protein structure and function are either unavailable or do not agree on the potential impact of this missense change (SIFT: "Not Available"; PolyPhen-2: "Probably Damaging"; Align-GVGD: "Not Available"). ClinVar contains an entry for this variant (Variation ID: 1460815). This variant has not been reported in the literature in individuals affected with ITCH-related conditions. This sequence change replaces tyrosine, which is neutral and polar, with cysteine, which is neutral and slightly polar, at codon 623 of the ITCH protein (p.Tyr623Cys).

NM_031483.7(ITCH):c.1868A>G (p.Tyr623Cys)

Gene: ITCH (itchy E3 ubiquitin protein ligase; plus strand). Cytogenetic location: 20q11.22.
Variant type: single nucleotide variant.
Coding change: c.1868A>G on transcript NM_031483.7 (MANE Select); coding-DNA position 1868, A replaced by G.
Protein change: p.Tyr623Cys; replaces tyrosine 623 with cysteine.
Molecular consequence: missense variant.
Genome position (GRCh38, 1-based): chr20:34,480,648, A>G. VCF-style: chr20-34480648-A-G. GRCh37 (hg19) VCF-style: chr20-33068453-A-G.
Other names: c.1991A>G, p.Tyr664Cys (NM_001257137.3, NM_001324197.2); c.1538A>G, p.Tyr513Cys (NM_001257138.3); c.1868A>G, p.Tyr623Cys (NM_001324198.2); short protein forms Y513C, Y623C, Y664C.
Identifiers: ClinVar variation 1460815 (VCV001460815.8), dbSNP rs1431712264, ClinGen allele CA408669888.